The following is an entry in ClinVar:

ClinVar aggregate classification (germline): Pathogenic (1 of 4 stars; one submission).

Conditions:
Charcot-Marie-Tooth disease axonal type 2S. Also called: CHARCOT-MARIE-TOOTH DISEASE, AXONAL, AUTOSOMAL RECESSIVE, TYPE 2S; CHARCOT-MARIE-TOOTH NEUROPATHY, TYPE 2S. Identifiers: Orphanet 443073, MedGen C4015349, MONDO:0014511, OMIM 616155.
Autosomal recessive distal spinal muscular atrophy 1. Also called: HMN VI; NEURONOPATHY, SEVERE INFANTILE AXONAL, WITH RESPIRATORY FAILURE; SEVERE INFANTILE AXONAL NEUROPATHY WITH RESPIRATORY FAILURE; SPINAL MUSCULAR ATROPHY, DIAPHRAGMATIC; Spinal muscular atrophy with respiratory distress 1; NEURONOPATHY, DISTAL HEREDITARY MOTOR, HARDING TYPE VI. Identifiers: Orphanet 98920, MedGen C1858517, MONDO:0011436, OMIM 604320.

Submission:

Labcorp Genetics (formerly Invitae), Labcorp
Classification: Pathogenic for Autosomal recessive distal spinal muscular atrophy 1; Charcot-Marie-Tooth disease axonal type 2S. Last evaluated: 2023-05-02. Review status: criteria provided, single submitter. Criteria: Invitae Variant Classification Sherloc (09022015). Collection method: clinical testing. Allele origin: germline.
Comment: For these reasons, this variant has been classified as Pathogenic. This variant has not been reported in the literature in individuals affected with IGHMBP2-related conditions. This variant is not present in population databases (gnomAD no frequency). This sequence change creates a premature translational stop signal (p.Ser856*) in the IGHMBP2 gene. It is expected to result in an absent or disrupted protein product. Loss-of-function variants in IGHMBP2 are known to be pathogenic (PMID: 14681881, 25439726, 25568292).

Literature cited by the submitters: PubMed 14681881; PubMed 25439726; PubMed 25568292.

NM_002180.3(IGHMBP2):c.2567C>A (p.Ser856Ter)

Gene: IGHMBP2 (immunoglobulin mu DNA binding protein 2; plus strand). Cytogenetic location: 11q13.3.
Variant type: single nucleotide variant.
Coding change: c.2567C>A on transcript NM_002180.3 (MANE Select); coding-DNA position 2567, C replaced by A.
Protein change: p.Ser856Ter; replaces serine 856 with a stop codon.
Molecular consequence: nonsense.
Genome position (GRCh38, 1-based): chr11:68,937,047, C>A. VCF-style: chr11-68937047-C-A. GRCh37 (hg19) VCF-style: chr11-68704515-C-A.
Other names: short protein forms S856*.
Identifiers: ClinVar variation 2947400 (VCV002947400.3), dbSNP rs2154008953, ClinGen allele CA381654017.